The following is an entry in ClinVar:

NM_001378454.1(ALMS1):c.5480G>C (p.Gly1827Ala)

Gene: ALMS1 (ALMS1 centrosome and basal body associated protein; plus strand). Cytogenetic location: 2p13.1.
Variant type: single nucleotide variant.
Coding change: c.5480G>C on transcript NM_001378454.1 (MANE Select); coding-DNA position 5480, G replaced by C.
Protein change: p.Gly1827Ala; replaces glycine 1827 with alanine.
Molecular consequence: missense variant.
Genome position (GRCh38, 1-based): chr2:73,452,007, G>C. VCF-style: chr2-73452007-G-C. GRCh37 (hg19) VCF-style: chr2-73679134-G-C.
Other names: c.5483G>C, p.Gly1828Ala (NM_015120.4); short protein forms G1827A, G1828A.
Identifiers: ClinVar variation 2071737 (VCV002071737.3), dbSNP rs898919846, ClinGen allele CA50396716.
Genomic context (GRCh38, chr2:73,452,007, plus strand): 5'-CACACAGAGAGAAGCCCATTGTTTCCTACCAGCGAGAGTTGCCGCATTTTACTGAAGCAG[G>C]TTTGAAAATTTTAAGAGTTCCTGGACCAGCTGACCAGAAGACTGGAATAAACATCCTGCC-3'
Protein context (NP_001365383.1, residues 1817-1837): QRELPHFTEA[Gly1827Ala]LKILRVPGPA

ClinVar aggregate classification (germline): Uncertain significance. Review status: criteria provided, multiple submitters, no conflicts (2 of 4 stars). 2 submissions from 2 submitters: Uncertain significance (2). Last evaluated 2024-07-17.

Conditions:
Alstrom syndrome (ALMS). Identifiers: Orphanet 64, MedGen C0268425, MONDO:0008763, OMIM 203800.

Allele frequency attached by ClinVar (database versions not stated): gnomAD 0.00001; TOPMed 0.00001.
gnomAD v4.1: 28 of 1,612,416 alleles (0.0017%); highest among the groups gnomAD compares: Non-Finnish European, 0.0022%; no homozygotes.

Submissions (2):

Labcorp Genetics (formerly Invitae), Labcorp
Classification: Uncertain significance for Alstrom syndrome. Last evaluated: 2024-07-17. Review status: criteria provided, single submitter. Criteria: Invitae Variant Classification Sherloc (09022015). Collection method: clinical testing. Allele origin: germline.
Comment: This sequence change replaces glycine, which is neutral and non-polar, with alanine, which is neutral and non-polar, at codon 1828 of the ALMS1 protein (p.Gly1828Ala). This variant is not present in population databases (gnomAD no frequency). This variant has not been reported in the literature in individuals affected with ALMS1-related conditions. ClinVar contains an entry for this variant (Variation ID: 2071737). Experimental studies and prediction algorithms are not available or were not evaluated, and the functional significance of this variant is currently unknown. In summary, the available evidence is currently insufficient to determine the role of this variant in disease. Therefore, it has been classified as a Variant of Uncertain Significance.

Blueprint Genetics
Classification: Uncertain significance. Last evaluated: 2018-06-09. Review status: criteria provided, single submitter. Criteria: ACMG Guidelines, 2015. Collection method: clinical testing. Allele origin: germline.